The following is an entry in ClinVar:

ClinVar aggregate classification (germline): Uncertain significance. Review status: criteria provided, multiple submitters, no conflicts (2 of 4 stars). 2 submissions from 2 submitters: Uncertain significance (2). Last evaluated 2025-06-18.

Conditions:
Cardiovascular phenotype. Identifiers: MedGen CN230736.
Costello syndrome (CSTLO). Also called: FACIOCUTANEOSKELETAL SYNDROME; FCS SYNDROME; HRAS-Related Costello Syndrome. Identifiers: Orphanet 3071, MedGen C0587248, MONDO:0009026, OMIM 218040.

Submissions (2):

Ambry Genetics
Classification: Uncertain significance for Cardiovascular phenotype. Last evaluated: 2025-06-18. Review status: criteria provided, single submitter. Criteria: Ambry Variant Classification Scheme 2023. Collection method: clinical testing. Allele origin: germline.

Labcorp Genetics (formerly Invitae), Labcorp
Classification: Uncertain significance for Costello syndrome. Last evaluated: 2024-06-19. Review status: criteria provided, single submitter. Criteria: Invitae Variant Classification Sherloc (09022015). Collection method: clinical testing. Allele origin: germline.
Comment: This sequence change replaces valine, which is neutral and non-polar, with methionine, which is neutral and non-polar, at codon 114 of the HRAS protein (p.Val114Met). This variant is not present in population databases (gnomAD no frequency). This variant has not been reported in the literature in individuals affected with HRAS-related conditions. An algorithm developed to predict the effect of missense changes on protein structure and function (PolyPhen-2) suggests that this variant is likely to be disruptive. In summary, the available evidence is currently insufficient to determine the role of this variant in disease. Therefore, it has been classified as a Variant of Uncertain Significance.

NM_005343.4(HRAS):c.340G>A (p.Val114Met)

Genes: HRAS (HRas proto-oncogene, GTPase; minus strand), LRRC56 (leucine rich repeat containing 56; plus strand). Cytogenetic location: 11p15.5.
Variant type: single nucleotide variant.
Coding change: c.340G>A on transcript NM_005343.4 (MANE Select); coding-DNA position 340, G replaced by A.
Protein change: p.Val114Met; replaces valine 114 with methionine.
Molecular consequence: missense variant. On other transcripts: nonsense (1).
Genome position (GRCh38, 1-based): chr11:533,563, C>T on the plus strand (G>A on the coding strand, the complement: HRAS is on the minus strand). VCF-style: chr11-533563-C-T. GRCh37 (hg19) VCF-style: chr11-533563-C-T.
Other names: c.340G>A (NM_005343.2); c.340G>A, p.Val114Met (NM_001130442.3, NM_176795.5); c.21G>A, p.Trp7Ter (NM_001318054.2); short protein forms V114M, W7*.
Identifiers: ClinVar variation 3673086 (VCV003673086.3).